The following is an entry in ClinVar:

ClinVar aggregate classification (germline): Pathogenic (1 of 4 stars; one submission).

Submission:

Labcorp Genetics (formerly Invitae), Labcorp
Classification: Pathogenic. Last evaluated: 2023-08-03. Review status: criteria provided, single submitter. Criteria: Invitae Variant Classification Sherloc (09022015). Collection method: clinical testing. Allele origin: germline.
Comment: For these reasons, this variant has been classified as Pathogenic. This variant disrupts a region of the CLDN14 protein in which other variant(s) (p.Ala163Val) have been determined to be pathogenic (PMID: 27838790). This suggests that this is a clinically significant region of the protein, and that variants that disrupt it are likely to be disease-causing. This variant has not been reported in the literature in individuals affected with CLDN14-related conditions. This variant is not present in population databases (gnomAD no frequency). This sequence change creates a premature translational stop signal (p.Arg68Hisfs*26) in the CLDN14 gene. While this is not anticipated to result in nonsense mediated decay, it is expected to disrupt the last 172 amino acid(s) of the CLDN14 protein.

Literature cited by the submitters: PubMed 27838790.

NM_001146079.2(CLDN14):c.203del (p.Arg68fs)

Genes: CLDN14 (claudin 14; minus strand), CLDN14-AS1 (CLDN14 antisense RNA 1; plus strand). Cytogenetic location: 21q22.13.
Variant type: Deletion.
Coding change: c.203del on transcript NM_001146079.2 (MANE Select); coding-DNA position 203, one base deleted (G; older notation c.203delG).
Protein change: p.Arg68fs; shifts the reading frame from arginine 68.
Molecular consequence: frameshift variant.
Genome position (GRCh38, 1-based): chr21:36,461,493, C deleted on the plus strand (G on the coding strand, the reverse complement: CLDN14 is on the minus strand). VCF-style (leftmost placement, unchanged base first): chr21-36461492-TC-T. GRCh37 (hg19) VCF-style: chr21-37833790-TC-T.
Other names: c.203del, p.Arg68fs (NM_001146077.2, NM_001146078.3, NM_012130.4 and 1 more transcripts); short protein forms R68fs.
Identifiers: ClinVar variation 2749812 (VCV002749812.3), dbSNP rs2535027337, ClinGen allele CA2697547515.